The following is an entry in ClinVar:

ClinVar aggregate classification (germline): Uncertain significance (0 of 4 stars; one submission).

Conditions:
TMPRSS6-related disorder. Also called: TMPRSS6-related condition.

Submission:

PreventionGenetics, part of Exact Sciences
Classification: Uncertain significance for TMPRSS6-related condition. Last evaluated: 2024-05-21. Review status: no assertion criteria provided. Collection method: clinical testing. Allele origin: germline.
Comment: The TMPRSS6 c.1766C>T variant is predicted to result in the amino acid substitution p.Pro589Leu. To our knowledge, this variant has not been reported in the literature. This variant is reported in 0.0081% of alleles in individuals of African descent in gnomAD. At this time, the clinical significance of this variant is uncertain due to the absence of conclusive functional and genetic evidence.

NM_001374504.1(TMPRSS6):c.1739C>T (p.Pro580Leu)

Gene: TMPRSS6 (transmembrane serine protease 6; minus strand). Cytogenetic location: 22q12.3.
Variant type: single nucleotide variant.
Coding change: c.1739C>T on transcript NM_001374504.1 (MANE Select); coding-DNA position 1739, C replaced by T.
Protein change: p.Pro580Leu; replaces proline 580 with leucine.
Molecular consequence: missense variant.
Genome position (GRCh38, 1-based): chr22:37,070,586, G>A on the plus strand (C>T on the coding strand, the complement: TMPRSS6 is on the minus strand). VCF-style: chr22-37070586-G-A. GRCh37 (hg19) VCF-style: chr22-37466626-G-A.
Other names: c.1739C>T, p.Pro580Leu (NM_001289000.2, NM_001289001.2, NM_153609.4); short protein forms P580L.
Identifiers: ClinVar variation 3354939 (VCV003354939.1).
Genomic context (GRCh38, chr22:37,070,586, plus strand): 5'-TCAGCGATGAGGGCCCCCCCACAGATGTGTCGACCCCGAACCTGGAGGCTGGCCTGCCAT[G>A]GCCACTCACCCTCGGAGGACACAGCTCCACCAACAATGCGGCTGGAGGGGCCCTGGAGGC-3'
Protein context (NP_001361433.1, residues 570-590): GGAVSSEGEW[Pro580Leu]WQASLQVRGR